The following is an entry in ClinVar:

ClinVar aggregate classification (germline): Uncertain significance. Review status: criteria provided, multiple submitters, no conflicts (2 of 4 stars). 2 submissions from 2 submitters: Uncertain significance (2). Last evaluated 2024-10-06.

Conditions:
Desmin-related myofibrillar myopathy (MFM1). Also called: Desminopathy; Myofibrillar myopathy 1; Desmin related myopathy (former name); Desmin storage myopathy (former name); MYOFIBRILLAR MYOPATHY WITH ARRHYTHMOGENIC RIGHT VENTRICULAR CARDIOMYOPATHY; DESMIN-RELATED MYOPATHY WITH ARRHYTHMOGENIC RIGHT VENTRICULAR CARDIOMYOPATHY. Identifiers: Orphanet 363543, Orphanet 98909, MedGen C1832370, MONDO:0011076, OMIM 601419.

Submissions (2):

Labcorp Genetics (formerly Invitae), Labcorp
Classification: Uncertain significance for Desmin-related myofibrillar myopathy. Last evaluated: 2024-10-06. Review status: criteria provided, single submitter. Criteria: Invitae Variant Classification Sherloc (09022015). Collection method: clinical testing. Allele origin: germline.
Comment: This sequence change replaces glutamic acid, which is acidic and polar, with glycine, which is neutral and non-polar, at codon 167 of the DES protein (p.Glu167Gly). This variant is not present in population databases (gnomAD no frequency). This variant has not been reported in the literature in individuals affected with DES-related conditions. ClinVar contains an entry for this variant (Variation ID: 813988). Invitae Evidence Modeling of protein sequence and biophysical properties (such as structural, functional, and spatial information, amino acid conservation, physicochemical variation, residue mobility, and thermodynamic stability) has been performed for this missense variant. However, the output from this modeling did not meet the statistical confidence thresholds required to predict the impact of this variant on DES protein function. In summary, the available evidence is currently insufficient to determine the role of this variant in disease. Therefore, it has been classified as a Variant of Uncertain Significance.

Broad Center for Mendelian Genomics, Broad Institute of MIT and Harvard
Classification: Uncertain significance for Desmin-related myofibrillar myopathy. Last evaluated: 2018-12-03. Review status: criteria provided, single submitter. Criteria: ACMG Guidelines, 2015. Collection method: research. Allele origin: germline. Inheritance: Autosomal recessive inheritance. Affected: yes.
Comment: This variant was absent from large population studies. Computational prediction tools and conservation analyses suggest that this variant may impact the protein, though this information is not predictive enough to determine pathogenicity. In summary, the clinical significance of the p.Glu167Gly variant is uncertain. ACMG/AMP Criteria applied: PM2, PP3 (Richards 2015).

NM_001927.4(DES):c.500A>G (p.Glu167Gly)

Gene: DES (desmin; plus strand). Cytogenetic location: 2q35.
Variant type: single nucleotide variant.
Coding change: c.500A>G on transcript NM_001927.4 (MANE Select); coding-DNA position 500, A replaced by G.
Protein change: p.Glu167Gly; replaces glutamic acid 167 with glycine.
Molecular consequence: missense variant.
Genome position (GRCh38, 1-based): chr2:219,418,962, A>G. VCF-style: chr2-219418962-A-G. GRCh37 (hg19) VCF-style: chr2-220283684-A-G.
Other names: short protein forms E167G.
Identifiers: ClinVar variation 813988 (VCV000813988.4), dbSNP rs1575013470, ClinGen allele CA350686692.